The following is an entry in ClinVar:

NM_007175.8(ERLIN2):c.406G>A (p.Val136Ile)

Gene: ERLIN2 (ER lipid raft associated 2; plus strand). Cytogenetic location: 8p11.23.
Variant type: single nucleotide variant.
Coding change: c.406G>A on transcript NM_007175.8 (MANE Select); coding-DNA position 406, G replaced by A.
Protein change: p.Val136Ile; replaces valine 136 with isoleucine.
Molecular consequence: missense variant.
Genome position (GRCh38, 1-based): chr8:37,744,678, G>A. VCF-style: chr8-37744678-G-A. GRCh37 (hg19) VCF-style: chr8-37602196-G-A.
Other names: c.406G>A, p.Val136Ile (NM_001003790.4, NM_001003791.3, NM_001362878.2 and 1 more transcripts); short protein forms V136I.
Identifiers: ClinVar variation 528006 (VCV000528006.12), dbSNP rs1338086200, ClinGen allele CA370652962.

ClinVar aggregate classification (germline): Uncertain significance. Review status: criteria provided, multiple submitters, no conflicts (2 of 4 stars). 3 submissions from 3 submitters: Uncertain significance (3). Last evaluated 2026-01-01.

Conditions:
Spastic paraplegia. Identifiers: MedGen C0037772, HP:0001258.
Hereditary spastic paraplegia. Also called: Familial spastic paraparesis. Identifiers: Orphanet 685, MedGen C0037773, MONDO:0019064. Disease mechanism: loss of function.

Allele frequency attached by ClinVar (database versions not stated): gnomAD exomes below 0.00001.

Submissions (3):

CeGaT Center for Human Genetics Tuebingen
Classification: Uncertain significance. Last evaluated: 2026-01-01. Review status: criteria provided, single submitter. Criteria: CeGaT Center For Human Genetics Tuebingen Variant Classification Criteria Version 2. Collection method: clinical testing. Allele origin: germline. Affected: yes. Observed: 1 variant allele.
Comment: ERLIN2: PM2, PP3

Labcorp Genetics (formerly Invitae), Labcorp
Classification: Uncertain significance for Spastic paraplegia. Last evaluated: 2024-08-13. Review status: criteria provided, single submitter. Criteria: Invitae Variant Classification Sherloc (09022015). Collection method: clinical testing. Allele origin: germline.
Comment: This sequence change replaces valine, which is neutral and non-polar, with isoleucine, which is neutral and non-polar, at codon 136 of the ERLIN2 protein (p.Val136Ile). This variant is present in population databases (no rsID available, gnomAD 0.0009%). This variant has not been reported in the literature in individuals affected with ERLIN2-related conditions. ClinVar contains an entry for this variant (Variation ID: 528006). Advanced modeling of protein sequence and biophysical properties (such as structural, functional, and spatial information, amino acid conservation, physicochemical variation, residue mobility, and thermodynamic stability) performed at Invitae indicates that this missense variant is not expected to disrupt ERLIN2 protein function with a negative predictive value of 80%. In summary, the available evidence is currently insufficient to determine the role of this variant in disease. Therefore, it has been classified as a Variant of Uncertain Significance.

Genome Diagnostics Laboratory, The Hospital for Sick Children
Classification: Uncertain significance for Hereditary spastic paraplegia. Last evaluated: 2018-12-01. Review status: criteria provided, single submitter. Criteria: ACMG Guidelines, 2015. Collection method: clinical testing. Allele origin: germline. Affected: yes.